The following is an entry in ClinVar:

ClinVar aggregate classification (germline): Pathogenic. Review status: reviewed by expert panel (3 of 4 stars). 4 submissions from 4 submitters: Pathogenic (1). 3 of the submissions do not count toward it. Last evaluated 2025-06-19.

Conditions:
ATM-related cancer predisposition. Also called: ATM-related cancer susceptibility. Identifiers: MedGen CN377759, MONDO:0700270.
Hereditary cancer-predisposing syndrome. Also called: Neoplastic Syndromes, Hereditary; Tumor predisposition; Hereditary Cancer Syndrome; Hereditary neoplastic syndrome. Identifiers: Orphanet 140162, MedGen C0027672, MeSH D009386, MONDO:0015356.
Familial cancer of breast. Also called: BREAST CANCER, FAMILIAL; Hereditary breast cancer; hereditary breast carcinoma. Identifiers: Orphanet 227535, MedGen C0346153, MONDO:0016419, OMIM 114480. Disease mechanism: loss of function.
Ataxia-telangiectasia syndrome (AT). Also called: LOUIS-BAR SYNDROME; Cerebello-oculocutaneous telangiectasia; Immunodeficiency with ataxia telangiectasia; Ataxia-telangiectasia, complementation group D; AT, COMPLEMENTATION GROUP C; ATAXIA-TELANGIECTASIA, COMPLEMENTATION GROUP A. Identifiers: Orphanet 100, MedGen C0004135, MONDO:0008840, OMIM 208900.

Submissions (4):

ClinGen Hereditary Breast, Ovarian and Pancreatic Cancer Variant Curation Expert Panel, ClinGen
Classification: Pathogenic for ATM-related cancer predisposition. Last evaluated: 2025-06-19. Review status: reviewed by expert panel. Criteria: ClinGen HBOP ACMG Specifications ATM V1.3.0. Collection method: curation. Allele origin: germline. Inheritance: Autosomal dominant inheritance.
Comment: The c.4158dup (p.Lys1387*) variant in ATM is a nonsense variant predicted to cause a premature stop codon in biologically-relevant-exon leading to nonsense mediated decay in a gene in which loss-of-function is an established disease mechanism. This alteration results in a termination codon upstream of the most C-terminal pathogenic alteration (ATM p.Arg3047*), as classified by the HBOP VCEP, and is expected to be more deleterious. This variant has been detected in at least two unrelated individuals with Ataxia-Telangiectasia (PMID: 26896183). The highest minor allele frequency in gnomAD v4.1.0 is 0.00003381 (1/29576 alleles) in the Ashkenazi Jewish population; while this is higher than the HBOP VCEP threshold (≤0.00001) for PM2_Supporting, it is present in only one allele, meeting this criterion. In summary, this variant meets the criteria to be classified as pathogenic for autosomal dominant ATM-related cancer predisposition and autosomal recessive Ataxia-Telangiectasia based on the ACMG/AMP criteria applied as specified by the HBOP VCEP. (PVS1, PM5_Supporting, PM3_Strong, PM2_Supporting)

Labcorp Genetics (formerly Invitae), Labcorp
Classification: Pathogenic for Ataxia-telangiectasia syndrome. Last evaluated: 2025-12-21. Review status: criteria provided, single submitter. Criteria: Invitae Variant Classification Sherloc (09022015). Collection method: clinical testing. Allele origin: germline. Not counted in ClinVar's aggregate classification.
Comment: This sequence change creates a premature translational stop signal (p.Lys1387*) in the ATM gene. It is expected to result in an absent or disrupted protein product. Loss-of-function variants in ATM are known to be pathogenic (PMID: 23807571, 25614872). This variant is not present in population databases (gnomAD no frequency). This premature translational stop signal has been observed in individual(s) with ataxia telangiectasia (PMID: 26896183). ClinVar contains an entry for this variant (Variation ID: 3148196). Algorithms developed to predict the effect of sequence changes on RNA splicing suggest that this variant may disrupt the consensus splice site. For these reasons, this variant has been classified as Pathogenic.

Ambry Genetics
Classification: Pathogenic for Hereditary cancer-predisposing syndrome. Last evaluated: 2025-10-17. Review status: criteria provided, single submitter. Criteria: Ambry Variant Classification Scheme 2023. Collection method: clinical testing. Allele origin: germline. Not counted in ClinVar's aggregate classification.
Comment: The c.4158dupT pathogenic mutation, located in coding exon 27 of the ATM gene, results from a duplication of T at nucleotide position 4158, causing a translational frameshift with a predicted alternate stop codon (p.K1387*). This variant has been identified in the homozygous state in individuals with features consistent with Ataxia telangiectasia (Jackson TJ et al. Dev Med Child Neurol, 2016 Jul;58:690-7).This variant is considered to be rare based on population cohorts in the Genome Aggregation Database (gnomAD). This alteration is expected to result in loss of function by premature protein truncation or nonsense-mediated mRNA decay. As such, this alteration is interpreted as a disease-causing mutation.

Myriad Genetics, Inc.
Classification: Pathogenic for Familial cancer of breast. Last evaluated: 2024-01-23. Review status: criteria provided, single submitter. Criteria: Myriad Autosomal Dominant, Autosomal Recessive and X-Linked Classification Criteria (2023). Collection method: clinical testing. Allele origin: unknown. Not counted in ClinVar's aggregate classification.
Comment: This variant is considered pathogenic. This variant creates a termination codon and is predicted to result in premature protein truncation.

Literature cited by the submitters: PubMed 23807571 (cited by Labcorp Genetics (formerly Invitae), Labcorp); PubMed 25614872 (cited by Labcorp Genetics (formerly Invitae), Labcorp); PubMed 26896183 (cited by Labcorp Genetics (formerly Invitae), Labcorp and Ambry Genetics).

NM_000051.4(ATM):c.4158dup (p.Lys1387Ter)

Gene: ATM (ATM serine/threonine kinase; plus strand). Cytogenetic location: 11q22.3.
Variant type: Duplication.
Coding change: c.4158dup on transcript NM_000051.4 (MANE Select); coding-DNA position 4158, one base duplicated (T; older notation c.4158dupT).
Protein change: p.Lys1387Ter; replaces lysine 1387 with a stop codon.
Molecular consequence: nonsense.
Genome position (GRCh38, 1-based): chr11:108,289,025, T duplicated; the last of 2 consecutive T bases (chr11:108,289,024-108,289,025); duplicating either gives the same sequence. VCF-style (leftmost placement, unchanged base first): chr11-108289023-A-AT. GRCh37 (hg19) VCF-style: chr11-108159750-A-AT.
Other names: NM_000051.4(ATM):c.4158dup; p.Lys1387Ter; c.4158dupT (NM_000051.3); c.4158dup, p.Lys1387Ter (NM_001351834.2); short protein forms K1387*.
Identifiers: ClinVar variation 3148196 (VCV003148196.4), dbSNP rs2546904264, ClinGen allele CA2695214771.